The following is an entry in ClinVar:

NM_001379500.1(COL18A1):c.2568C>T (p.Tyr856=)

Gene: COL18A1 (collagen type XVIII alpha 1 chain; plus strand). Cytogenetic location: 21q22.3.
Variant type: single nucleotide variant.
Coding change: c.2568C>T on transcript NM_001379500.1 (MANE Select); coding-DNA position 2568, C replaced by T.
Protein change: p.Tyr856=; no amino-acid change (tyrosine 856 retained).
Molecular consequence: synonymous variant.
Genome position (GRCh38, 1-based): chr21:45,496,559, C>T. VCF-style: chr21-45496559-C-T. GRCh37 (hg19) VCF-style: chr21-46916473-C-T.
Other names: NM_130445.2:c.2568C>T; c.3108C>T, p.Tyr1036= (NM_030582.4); c.3813C>T, p.Tyr1271= (NM_130444.3).
Identifiers: ClinVar variation 899364 (VCV000899364.14), dbSNP rs376919554, ClinGen allele CA10067181.

ClinVar aggregate classification (germline): Conflicting classifications of pathogenicity. Review status: criteria provided, conflicting classifications (1 of 4 stars). 4 submissions from 4 submitters: Uncertain significance (1); Likely benign (3). Last evaluated 2026-03-01.

Conditions:
Knobloch syndrome (KNO). Also called: RETINAL DETACHMENT AND OCCIPITAL ENCEPHALOCELE; Myopia retinal detachment encephalocele. Identifiers: Orphanet 1571, MedGen C1849409, MONDO:0800166.

Allele frequency attached by ClinVar (database versions not stated): ExAC 0.00011; gnomAD exomes 0.00011; gnomAD 0.00014 and 0.00015; TOPMed 0.00016; ESP Exome Variant Server 0.00017; 1000 Genomes Project 0.00040; 1000 Genomes Project 30x 0.00047.
gnomAD v4.1: 218 of 1,487,970 alleles (0.015%); highest among the groups gnomAD compares: East Asian, 0.038%; no homozygotes.

Submissions (4):

CeGaT Center for Human Genetics Tuebingen
Classification: Likely benign. Last evaluated: 2026-03-01. Review status: criteria provided, single submitter. Criteria: CeGaT Center For Human Genetics Tuebingen Variant Classification Criteria Version 2. Collection method: clinical testing. Allele origin: germline. Affected: yes. Observed: 1 variant allele.
Comment: COL18A1: BP4, BP7

Labcorp Genetics (formerly Invitae), Labcorp
Classification: Likely benign. Last evaluated: 2026-02-03. Review status: criteria provided, single submitter. Criteria: Invitae Variant Classification Sherloc (09022015). Collection method: clinical testing. Allele origin: germline.

Blueprint Genetics
Classification: Likely benign. Last evaluated: 2024-10-21. Review status: criteria provided, single submitter. Criteria: ACMG Guidelines, 2015. Collection method: clinical testing. Allele origin: germline.

Illumina Laboratory Services, Illumina
Classification: Uncertain significance for Knobloch syndrome 1. Last evaluated: 2018-01-12. Review status: criteria provided, single submitter. Criteria: ICSL Variant Classification Criteria 13 December 2019. Collection method: clinical testing. Allele origin: germline.